The following is an entry in ClinVar:

NM_000501.4(ELN):c.1201G>A (p.Ala401Thr)

Gene: ELN (elastin; plus strand). Cytogenetic location: 7q11.23.
Variant type: single nucleotide variant.
Coding change: c.1201G>A on transcript NM_000501.4 (MANE Select); coding-DNA position 1201, G replaced by A.
Protein change: p.Ala401Thr; replaces alanine 401 with threonine.
Molecular consequence: missense variant.
Genome position (GRCh38, 1-based): chr7:74,056,321, G>A. VCF-style: chr7-74056321-G-A. GRCh37 (hg19) VCF-style: chr7-73470651-G-A.
Other names: c.1171G>A, p.Ala391Thr (NM_001081752.3, NM_001278917.2); c.1216G>A, p.Ala406Thr (NM_001081753.3, NM_001081754.3); c.1201G>A, p.Ala401Thr (NM_001081755.3, NM_001278912.2, NM_001278915.2 and 1 more transcripts); c.1093G>A, p.Ala365Thr (NM_001278913.2); c.1186G>A, p.Ala396Thr (NM_001278914.2); c.1159G>A, p.Ala387Thr (NM_001278916.2); c.1069G>A, p.Ala357Thr (NM_001278918.2); short protein forms A365T, A396T, A357T, A406T, A387T, A391T, A401T.
Identifiers: ClinVar variation 3684238 (VCV003684238.2).

ClinVar aggregate classification (germline): Uncertain significance (1 of 4 stars; one submission).

Conditions:
Supravalvar aortic stenosis (SVAS). Also called: Supravalvar aortic stenosis, Eisenberg type. Identifiers: Orphanet 3193, MedGen C0003499, MONDO:0008504, OMIM 185500, HP:0004381.

gnomAD v4.1: 2 of 1,614,042 alleles (0.00012%); highest among the groups gnomAD compares: Admixed American, 0.0017%; no homozygotes.

Submission:

Labcorp Genetics (formerly Invitae), Labcorp
Classification: Uncertain significance for Supravalvar aortic stenosis. Last evaluated: 2025-01-29. Review status: criteria provided, single submitter. Criteria: Invitae Variant Classification Sherloc (09022015). Collection method: clinical testing. Allele origin: germline.
Comment: This sequence change replaces alanine, which is neutral and non-polar, with threonine, which is neutral and polar, at codon 401 of the ELN protein (p.Ala401Thr). This variant is present in population databases (no rsID available, gnomAD 0.1%). This variant has not been reported in the literature in individuals affected with ELN-related conditions. Invitae Evidence Modeling of protein sequence and biophysical properties (such as structural, functional, and spatial information, amino acid conservation, physicochemical variation, residue mobility, and thermodynamic stability) indicates that this missense variant is not expected to disrupt ELN protein function with a negative predictive value of 80%. In summary, the available evidence is currently insufficient to determine the role of this variant in disease. Therefore, it has been classified as a Variant of Uncertain Significance.